The following is an entry in ClinVar:

ClinVar aggregate classification (germline): Uncertain significance (1 of 4 stars; one submission).

Conditions:
Developmental and epileptic encephalopathy. Identifiers: MedGen C5779964, MONDO:0100620.

Submission:

Labcorp Genetics (formerly Invitae), Labcorp
Classification: Uncertain significance for Early-infantile DEE. Last evaluated: 2022-01-25. Review status: criteria provided, single submitter. Criteria: Invitae Variant Classification Sherloc (09022015). Collection method: clinical testing. Allele origin: germline.
Comment: This variant has not been reported in the literature in individuals affected with KCNQ2-related conditions. This variant results in a copy number gain of the genomic region encompassing exon(s) 10-17 of the KCNQ2 gene. This region includes the termination codon of the gene. This copy number gain extends beyond the assayed region for this gene and therefore may encompass additional genes. As the precise location of this event is unknown, it may be in tandem or it may be located elsewhere in the genome. Experimental studies and prediction algorithms are not available or were not evaluated, and the functional significance of this variant is currently unknown. In summary, the available evidence is currently insufficient to determine the role of this variant in disease. Therefore, it has been classified as a Variant of Uncertain Significance.

NC_000020.10:g.(?_61978090)_(62059808_?)dup

Genes: CHRNA4 (cholinergic receptor nicotinic alpha 4 subunit; minus strand), KCNQ2 (potassium voltage-gated channel subfamily Q member 2; minus strand). Cytogenetic location: 20q13.33.
Variant type: Duplication.
Identifiers: ClinVar variation 2427477 (VCV002427477.4).